The following is an entry in ClinVar:

NM_000182.5(HADHA):c.2169G>T (p.Leu723=)

Genes: HADHA (hydroxyacyl-CoA dehydrogenase trifunctional multienzyme complex subunit alpha; minus strand), GAREM2 (GRB2 associated regulator of MAPK1 subtype 2; plus strand). Cytogenetic location: 2p23.3.
Variant type: single nucleotide variant.
Coding change: c.2169G>T on transcript NM_000182.5 (MANE Select); coding-DNA position 2169, G replaced by T.
Protein change: p.Leu723=; no amino-acid change (leucine 723 retained).
Molecular consequence: synonymous variant.
Genome position (GRCh38, 1-based): chr2:26,191,373, C>A on the plus strand (G>T on the coding strand, the complement: HADHA is on the minus strand). VCF-style: chr2-26191373-C-A. GRCh37 (hg19) VCF-style: chr2-26414242-C-A.
Other names: c.2169G>T (NM_000182.4).
Identifiers: ClinVar variation 1540643 (VCV001540643.9), dbSNP rs1352996721, ClinGen allele CA425357901.

ClinVar aggregate classification (germline): Likely benign. Review status: criteria provided, multiple submitters, no conflicts (2 of 4 stars). 2 submissions from 2 submitters: Likely benign (2). Last evaluated 2026-09-05.

Conditions:
HADHA-related disorder. Also called: HADHA-related condition; HADHA-related disorders.
Mitochondrial trifunctional protein deficiency. Identifiers: Orphanet 746, MedGen C1969443, MONDO:0012172.
Long chain 3-hydroxyacyl-CoA dehydrogenase deficiency. Also called: Deficiency of long-chain 3-hydroxyacyl-coenzyme A dehydrogenase; LCHAD Deficiency. Identifiers: Orphanet 5, MedGen C3711645, MONDO:0012173, OMIM 609016.

Allele frequency attached by ClinVar (database versions not stated): gnomAD exomes below 0.00001 and 0.00001; TOPMed below 0.00001; gnomAD 0.00001.
gnomAD v4.1: 5 of 1,614,090 alleles (0.00031%); highest among the groups gnomAD compares: East Asian, 0.0089%; no homozygotes.

Submissions (2):

PreventionGenetics, part of Exact Sciences
Classification: Likely benign for HADHA-related condition. Last evaluated: 2026-09-05. Review status: criteria provided, single submitter. Criteria: ACMG Guidelines, 2015. Collection method: clinical testing. Allele origin: germline.
Comment: This variant is classified as likely benign based on ACMG/AMP sequence variant interpretation guidelines (Richards et al. 2015 PMID: 25741868, with internal and published modifications).

Labcorp Genetics (formerly Invitae), Labcorp
Classification: Likely benign for Mitochondrial trifunctional protein deficiency; Long chain 3-hydroxyacyl-CoA dehydrogenase deficiency. Last evaluated: 2025-07-20. Review status: criteria provided, single submitter. Criteria: Invitae Variant Classification Sherloc (09022015). Collection method: clinical testing. Allele origin: germline.